The following is an entry in ClinVar:

ClinVar aggregate classification (germline): Uncertain significance. Review status: criteria provided, multiple submitters, no conflicts (2 of 4 stars). 5 submissions from 5 submitters: Uncertain significance (5). Last evaluated 2025-03-04.

Conditions:
Endometrial carcinoma. Also called: Endometrial carcinoma, somatic. Identifiers: MedGen C0476089, MONDO:0002447, OMIM 608089, HP:0012114.
Colorectal cancer, hereditary nonpolyposis, type 7. Identifiers: Orphanet 144, MedGen C1858380, MONDO:0013725, OMIM 614385.

Allele frequency attached by ClinVar (database versions not stated): ExAC 0.00002; gnomAD 0.00002 and 0.00003; gnomAD exomes 0.00002; TOPMed 0.00002.
gnomAD v4.1: 35 of 1,613,918 alleles (0.0022%); highest among the groups gnomAD compares: Middle Eastern, 0.016%; no homozygotes.

Submissions (5):

Center for Genomic Medicine, Rigshospitalet, Copenhagen University Hospital
Classification: Uncertain significance. Last evaluated: 2025-03-04. Review status: criteria provided, single submitter. Criteria: ACMG Guidelines, 2015. Collection method: clinical testing. Allele origin: germline.

Ambry Genetics
Classification: Uncertain significance. Last evaluated: 2024-09-30. Review status: criteria provided, single submitter. Criteria: Ambry Variant Classification Scheme 2023. Collection method: clinical testing. Allele origin: germline.
Comment: The p.R93Q variant (also known as c.278G>A), located in coding exon 1 of the MLH3 gene, results from a G to A substitution at nucleotide position 278. The arginine at codon 93 is replaced by glutamine, an amino acid with highly similar properties. This amino acid position is highly conserved in available vertebrate species. In addition, this alteration is predicted to be deleterious by in silico analysis. Since supporting evidence is limited at this time, the clinical significance of this alteration remains unclear.

Labcorp Genetics (formerly Invitae), Labcorp
Classification: Uncertain significance for Colorectal cancer, hereditary nonpolyposis, type 7. Last evaluated: 2024-06-16. Review status: criteria provided, single submitter. Criteria: Invitae Variant Classification Sherloc (09022015). Collection method: clinical testing. Allele origin: germline.
Comment: This sequence change replaces arginine, which is basic and polar, with glutamine, which is neutral and polar, at codon 93 of the MLH3 protein (p.Arg93Gln). This variant is present in population databases (rs781779034, gnomAD 0.003%). This variant has not been reported in the literature in individuals affected with MLH3-related conditions. ClinVar contains an entry for this variant (Variation ID: 950632). An algorithm developed to predict the effect of missense changes on protein structure and function (PolyPhen-2) suggests that this variant is likely to be disruptive. In summary, the available evidence is currently insufficient to determine the role of this variant in disease. Therefore, it has been classified as a Variant of Uncertain Significance.

Blueprint Genetics
Classification: Uncertain significance. Last evaluated: 2023-12-21. Review status: criteria provided, single submitter. Criteria: ACMG Guidelines, 2015. Collection method: clinical testing. Allele origin: germline.

Laboratorio de Genetica e Diagnostico Molecular, Hospital Israelita Albert Einstein
Classification: Uncertain significance for Endometrial carcinoma. Last evaluated: 2022-11-11. Review status: criteria provided, single submitter. Criteria: ACMG Guidelines, 2015. Collection method: clinical testing. Allele origin: germline. Affected: yes. Observed: 1 variant allele.
Comment: ACMG classification criteria: PM2 supporting, PP3 supporting

NM_001040108.2(MLH3):c.278G>A (p.Arg93Gln)

Gene: MLH3 (mutL homolog 3; minus strand). Cytogenetic location: 14q24.3.
Variant type: single nucleotide variant.
Coding change: c.278G>A on transcript NM_001040108.2 (MANE Select); coding-DNA position 278, G replaced by A.
Protein change: p.Arg93Gln; replaces arginine 93 with glutamine.
Molecular consequence: missense variant.
Genome position (GRCh38, 1-based): chr14:75,049,378, C>T on the plus strand (G>A on the coding strand, the complement: MLH3 is on the minus strand). VCF-style: chr14-75049378-C-T. GRCh37 (hg19) VCF-style: chr14-75516081-C-T.
Other names: c.278G>A, p.Arg93Gln (NM_014381.3); short protein forms R93Q.
Identifiers: ClinVar variation 950632 (VCV000950632.16), dbSNP rs781779034, ClinGen allele CA7276062.